The following is an entry in ClinVar:

ClinVar aggregate classification (germline): Uncertain significance (1 of 4 stars; one submission).

Conditions:
Ehlers-Danlos syndrome, dermatosparaxis type. Also called: EDS VIIC; Dermatosparaxis; Ehlers-Danlos syndrome, type VII, autosomal recessive. Identifiers: Orphanet 1901, MedGen C2700425, MONDO:0009161, OMIM 225410.

Allele frequency attached by ClinVar (database versions not stated): TOPMed below 0.00001; gnomAD exomes 0.00002.
gnomAD v4.1: 23 of 1,613,938 alleles (0.0014%); highest among the groups gnomAD compares: Non-Finnish European, 0.0019%; no homozygotes.

Submission:

Labcorp Genetics (formerly Invitae), Labcorp
Classification: Uncertain significance for Ehlers-Danlos syndrome, dermatosparaxis type. Last evaluated: 2022-06-14. Review status: criteria provided, single submitter. Criteria: Invitae Variant Classification Sherloc (09022015). Collection method: clinical testing. Allele origin: germline.
Comment: This sequence change replaces threonine, which is neutral and polar, with serine, which is neutral and polar, at codon 817 of the ADAMTS2 protein (p.Thr817Ser). This variant is present in population databases (no rsID available, gnomAD 0.0009%). This variant has not been reported in the literature in individuals affected with ADAMTS2-related conditions. Algorithms developed to predict the effect of missense changes on protein structure and function are either unavailable or do not agree on the potential impact of this missense change (SIFT: "Deleterious"; PolyPhen-2: "Benign"; Align-GVGD: "Class C0"). Algorithms developed to predict the effect of sequence changes on RNA splicing suggest that this variant may create or strengthen a splice site. In summary, the available evidence is currently insufficient to determine the role of this variant in disease. Therefore, it has been classified as a Variant of Uncertain Significance.

NM_014244.5(ADAMTS2):c.2450C>G (p.Thr817Ser)

Gene: ADAMTS2 (ADAM metallopeptidase with thrombospondin type 1 motif 2; minus strand). Cytogenetic location: 5q35.3.
Variant type: single nucleotide variant.
Coding change: c.2450C>G on transcript NM_014244.5 (MANE Select); coding-DNA position 2450, C replaced by G.
Protein change: p.Thr817Ser; replaces threonine 817 with serine.
Molecular consequence: missense variant.
Genome position (GRCh38, 1-based): chr5:179,129,939, G>C on the plus strand (C>G on the coding strand, the complement: ADAMTS2 is on the minus strand). VCF-style: chr5-179129939-G-C. GRCh37 (hg19) VCF-style: chr5-178556940-G-C.
Other names: short protein forms T817S.
Identifiers: ClinVar variation 2195283 (VCV002195283.1), dbSNP rs1225300246, ClinGen allele CA362423845.